The following is an entry in ClinVar:

ClinVar aggregate classification (germline): Uncertain significance (1 of 4 stars; one submission).

Allele frequency attached by ClinVar (database versions not stated): TOPMed 0.00002.
gnomAD v4.1: 1 of 1,612,476 alleles (0.000062%); no homozygotes.

Submission:

GeneDx
Classification: Uncertain significance. Last evaluated: 2019-11-19. Review status: criteria provided, single submitter. Criteria: GeneDx Variant Classification Process June 2021. Collection method: clinical testing. Allele origin: germline. Affected: yes.
Comment: Not observed in large population cohorts (Lek et al., 2016); In silico analysis, which includes protein predictors and evolutionary conservation, supports a deleterious effect; Missense variant in a gene in which most reported pathogenic variants are truncating/loss-of-function; Has not been previously published as pathogenic or benign to our knowledge

NM_006031.6(PCNT):c.7562T>C (p.Ile2521Thr)

Gene: PCNT (pericentrin; plus strand). Cytogenetic location: 21q22.3.
Variant type: single nucleotide variant.
Coding change: c.7562T>C on transcript NM_006031.6 (MANE Select); coding-DNA position 7562, T replaced by C.
Protein change: p.Ile2521Thr; replaces isoleucine 2521 with threonine.
Molecular consequence: missense variant.
Genome position (GRCh38, 1-based): chr21:46,428,462, T>C. VCF-style: chr21-46428462-T-C. GRCh37 (hg19) VCF-style: chr21-47848376-T-C.
Other names: c.7208T>C, p.Ile2403Thr (NM_001315529.2); short protein forms I2403T, I2521T.
Identifiers: ClinVar variation 1310358 (VCV001310358.2), dbSNP rs1415348820, ClinGen allele CA410570204.